The following is an entry in ClinVar:

ClinVar aggregate classification (germline): Pathogenic. Review status: reviewed by expert panel (3 of 4 stars). 2 submissions from 2 submitters: Pathogenic (1). 1 of the submissions does not count toward it. Last evaluated 2017-12-15.

Conditions:
Breast-ovarian cancer, familial, susceptibility to, 1 (BROVCA1). Also called: BRCA1 Hereditary Breast and Ovarian Cancer; OVARIAN CANCER, SUSCEPTIBILITY TO. Identifiers: Orphanet 145, MedGen C2676676, MONDO:0011450, OMIM 604370. Disease mechanism: loss of function.
Familial cancer of breast. Also called: hereditary breast carcinoma; BREAST CANCER, FAMILIAL; Hereditary breast cancer. Identifiers: Orphanet 227535, MedGen C0346153, MONDO:0016419, OMIM 114480. Disease mechanism: loss of function.

Submissions (2):

Evidence-based Network for the Interpretation of Germline Mutant Alleles (ENIGMA)
Classification: Pathogenic for Breast-ovarian cancer, familial, susceptibility to, 1. Last evaluated: 2017-12-15. Review status: reviewed by expert panel. Criteria: ENIGMA BRCA1/2 Classification Criteria (2017-06-29). Collection method: curation. Allele origin: germline. Study: ENIGMA.
Comment: Variant allele predicted to encode a truncated non-functional protein.

ClinVar Staff, National Center for Biotechnology Information (NCBI)
No classification provided. Condition: Familial cancer of breast. Review status: no classification provided. Collection method: literature only. Allele origin: germline. Affected: yes. Not counted in ClinVar's aggregate classification.

Literature cited by the submitters: PubMed 22006311 (cited by ClinVar Staff, National Center for Biotechnology Information (NCBI)).

NM_007294.4(BRCA1):c.3876del (p.Ala1293fs)

Genes: BRCA1 (BRCA1 DNA repair associated; minus strand), LOC126862571 (BRD4-independent group 4 enhancer GRCh37_chr17:41243136-41244335; plus strand). Cytogenetic location: 17q21.31.
Variant type: Deletion.
Coding change: c.3876del on transcript NM_007294.4 (MANE Select); coding-DNA position 3876, one base deleted (T; older notation c.3876delT).
Protein change: p.Ala1293fs; shifts the reading frame from alanine 1293.
Molecular consequence: frameshift variant. On other transcripts: intron variant (135).
Genome position (GRCh38, 1-based): chr17:43,091,655, A deleted on the plus strand (T on the coding strand, the reverse complement: BRCA1 is on the minus strand). VCF-style (leftmost placement, unchanged base first): chr17-43091654-CA-C. GRCh37 (hg19) VCF-style: chr17-41243671-CA-C.
Other names: c.3663del, p.Ala1222fs (NM_001407571.1, NM_001407853.1, NM_001407894.1 and 9 more transcripts); c.3876del, p.Ala1293fs (NM_001407581.1, NM_001407582.1, NM_001407583.1 and 30 more transcripts); c.3873del, p.Ala1292fs (NM_001407587.1, NM_001407590.1, NM_001407591.1 and 22 more transcripts); c.3867del, p.Ala1290fs (NM_001407646.1, NM_001407647.1); c.3753del, p.Ala1252fs (NM_001407648.1, NM_001407664.1, NM_001407665.1 and 19 more transcripts); c.3750del, p.Ala1251fs (NM_001407649.1, NM_001407670.1, NM_001407671.1 and 11 more transcripts); c.3798del, p.Ala1267fs (NM_001407653.1, NM_001407654.1, NM_001407655.1 and 4 more transcripts); c.3795del, p.Ala1266fs (NM_001407659.1, NM_001407660.1, NM_001407661.1 and 1 more transcripts); and 41 more; short protein forms A1293fs, A1246fs, A1181fs, A1182fs, A1204fs, A1222fs, A1245fs, A1266fs.
Identifiers: ClinVar variation 55034 (VCV000055034.3), dbSNP rs397509115, ClinGen allele CA002498.